The following is an entry in ClinVar:

NM_018717.5(MAML3):c.1467A>G (p.Gln489=)

Gene: MAML3 (mastermind like transcriptional coactivator 3; minus strand). Cytogenetic location: 4q31.1.
Variant type: single nucleotide variant.
Coding change: c.1467A>G on transcript NM_018717.5 (MANE Select); coding-DNA position 1467, A replaced by G.
Protein change: p.Gln489=; no amino-acid change (glutamine 489 retained).
Molecular consequence: synonymous variant.
Genome position (GRCh38, 1-based): chr4:139,889,969, T>C on the plus strand (A>G on the coding strand, the complement: MAML3 is on the minus strand). VCF-style: chr4-139889969-T-C. GRCh37 (hg19) VCF-style: chr4-140811123-T-C.
Identifiers: ClinVar variation 4820831 (VCV004820831.4).

ClinVar aggregate classification (germline): Likely benign (1 of 4 stars; one submission).

Submission:

CeGaT Center for Human Genetics Tuebingen
Classification: Likely benign. Last evaluated: 2026-01-01. Review status: criteria provided, single submitter. Criteria: CeGaT Center For Human Genetics Tuebingen Variant Classification Criteria Version 2. Collection method: clinical testing. Allele origin: germline. Affected: yes. Observed: 1 variant allele.
Comment: MAML3: BP4, BP7